The following is an entry in ClinVar:

NM_032888.4(COL27A1):c.373C>A (p.Gln125Lys)

Gene: COL27A1 (collagen type XXVII alpha 1 chain; plus strand). Cytogenetic location: 9q32.
Variant type: single nucleotide variant.
Coding change: c.373C>A on transcript NM_032888.4 (MANE Select); coding-DNA position 373, C replaced by A.
Protein change: p.Gln125Lys; replaces glutamine 125 with lysine.
Molecular consequence: missense variant.
Genome position (GRCh38, 1-based): chr9:114,167,928, C>A. VCF-style: chr9-114167928-C-A. GRCh37 (hg19) VCF-style: chr9-116930208-C-A.
Other names: short protein forms Q125K.
Identifiers: ClinVar variation 1988460 (VCV001988460.1), dbSNP rs1396298548, ClinGen allele CA374589583.

ClinVar aggregate classification (germline): Uncertain significance (1 of 4 stars; one submission).

Allele frequency attached by ClinVar (database versions not stated): gnomAD exomes below 0.00001.
gnomAD v4.1: 7 of 1,611,156 alleles (0.00043%); highest among the groups gnomAD compares: East Asian, 0.0089%; no homozygotes.

Submission:

Labcorp Genetics (formerly Invitae), Labcorp
Classification: Uncertain significance. Last evaluated: 2020-08-24. Review status: criteria provided, single submitter. Criteria: Invitae Variant Classification Sherloc (09022015). Collection method: clinical testing. Allele origin: germline.
Comment: This sequence change replaces glutamine with lysine at codon 125 of the COL27A1 protein (p.Gln125Lys). The glutamine residue is highly conserved and there is a small physicochemical difference between glutamine and lysine. This variant is not present in population databases (ExAC no frequency). This variant has not been reported in the literature in individuals with COL27A1-related conditions. Advanced modeling of protein sequence and biophysical properties (such as structural, functional, and spatial information, amino acid conservation, physicochemical variation, residue mobility, and thermodynamic stability) performed at Invitae indicates that this missense variant is not expected to disrupt COL27A1 protein function. In summary, the available evidence is currently insufficient to determine the role of this variant in disease. Therefore, it has been classified as a Variant of Uncertain Significance.